The following is an entry in ClinVar:

NM_017654.4(SAMD9):c.3814G>T (p.Asp1272Tyr)

Gene: SAMD9 (sterile alpha motif domain containing 9; minus strand). Cytogenetic location: 7q21.2.
Variant type: single nucleotide variant.
Coding change: c.3814G>T on transcript NM_017654.4 (MANE Select); coding-DNA position 3814, G replaced by T.
Protein change: p.Asp1272Tyr; replaces aspartic acid 1272 with tyrosine.
Molecular consequence: missense variant.
Genome position (GRCh38, 1-based): chr7:93,102,284, C>A on the plus strand (G>T on the coding strand, the complement: SAMD9 is on the minus strand). VCF-style: chr7-93102284-C-A. GRCh37 (hg19) VCF-style: chr7-92731597-C-A.
Other names: c.3814G>T, p.Asp1272Tyr (NM_001193307.2); short protein forms D1272Y.
Identifiers: ClinVar variation 3375537 (VCV003375537.2).

ClinVar aggregate classification (germline): Uncertain significance. Review status: criteria provided, multiple submitters, no conflicts (2 of 4 stars). 2 submissions from 2 submitters: Uncertain significance (2). Last evaluated 2026-07-22.

Conditions:
Inborn genetic diseases. Identifiers: MedGen C0950123, MeSH D030342.

Submissions (2):

Ambry Genetics
Classification: Uncertain significance for Inborn genetic diseases. Last evaluated: 2026-07-22. Review status: criteria provided, single submitter. Criteria: Ambry Variant Classification Scheme 2023. Collection method: clinical testing. Allele origin: germline.
Comment: The p.D1272Y variant (also known as c.3814G>T), located in coding exon 1 of the SAMD9 gene, results from a G to T substitution at nucleotide position 3814. The aspartic acid at codon 1272 is replaced by tyrosine, an amino acid with highly dissimilar properties. This amino acid position is conserved. In addition, this alteration is predicted to be tolerated by in silico analysis. Based on the available evidence, the clinical significance of this variant remains unclear.

GeneDx
Classification: Uncertain significance. Last evaluated: 2024-05-06. Review status: criteria provided, single submitter. Criteria: GeneDx Variant Classification Process June 2021. Collection method: clinical testing. Allele origin: germline. Affected: yes.
Comment: Not observed at significant frequency in large population cohorts (gnomAD); In silico analysis indicates that this missense variant does not alter protein structure/function; Has not been previously published as pathogenic or benign to our knowledge